The following is an entry in ClinVar:

ClinVar aggregate classification (germline): Uncertain significance. Review status: criteria provided, single submitter (1 of 4 stars). 2 submissions from 2 submitters: Uncertain significance (1). 1 of the submissions does not count toward it. Last evaluated 2021-06-21.

Conditions:
Epilepsy, familial focal, with variable foci 4 (FFEVF4). Identifiers: MedGen C4693694, MONDO:0054776, OMIM 617935.

Submissions (2):

GeneDx
Classification: Uncertain significance. Last evaluated: 2021-06-21. Review status: criteria provided, single submitter. Criteria: GeneDx Variant Classification Process June 2021. Collection method: clinical testing. Allele origin: germline. Affected: yes.
Comment: Not observed at significant frequency in large population cohorts (Lek et al., 2016); In silico analysis supports that this missense variant has a deleterious effect on protein structure/function; Has not been previously published as pathogenic or benign to our knowledge; This variant is associated with the following publications: (PMID: 27535533)

Biochemical Molecular Genetic Laboratory, King Abdulaziz Medical City
Classification: Uncertain significance for Epilepsy, familial focal, with variable foci 4. Last evaluated: 2020-02-05. Review status: no assertion criteria provided. Collection method: clinical testing. Allele origin: germline. Affected: yes. Not counted in ClinVar's aggregate classification.

NM_006922.4(SCN3A):c.3265G>C (p.Asp1089His)

Gene: SCN3A (sodium voltage-gated channel alpha subunit 3; minus strand). Cytogenetic location: 2q24.3.
Variant type: single nucleotide variant.
Coding change: c.3265G>C on transcript NM_006922.4 (MANE Select); coding-DNA position 3265, G replaced by C.
Protein change: p.Asp1089His; replaces aspartic acid 1089 with histidine.
Molecular consequence: missense variant.
Genome position (GRCh38, 1-based): chr2:165,127,759, C>G on the plus strand (G>C on the coding strand, the complement: SCN3A is on the minus strand). VCF-style: chr2-165127759-C-G. GRCh37 (hg19) VCF-style: chr2-165984269-C-G.
Other names: c.3118G>C, p.Asp1040His (NM_001081676.2, NM_001081677.2); short protein forms D1040H, D1089H.
Identifiers: ClinVar variation 828141 (VCV000828141.3), dbSNP rs1574158109, ClinGen allele CA349040648.
Genomic context (GRCh38, chr2:165,127,759, plus strand): 5'-CTCCAACAGCAATTGGCACTGTGACGGTGAGGCTGGGGTTGTTTATGAATGACATATAAT[C>G]ATTTTCATCGATTACGTATTTTTCAACACTGCTTCCAGTACCTACACCACTGGTGGTTCC-3'
Protein context (NP_008853.3, residues 1079-1099): SVEKYVIDEN[Asp1089His]YMSFINNPSL